The following is an entry in ClinVar:

ClinVar aggregate classification (germline): Likely pathogenic. Review status: criteria provided, single submitter (1 of 4 stars). 2 submissions from 2 submitters: Likely pathogenic (1). 1 of the submissions does not count toward it. Last evaluated 2026-03-09.

Submissions (2):

Dasa
Classification: Likely pathogenic. Last evaluated: 2026-03-09. Review status: criteria provided, single submitter. Criteria: DASA Assertion Criteria. Collection method: clinical testing. Allele origin: germline.
Comment: NM_000531.6(OTC):c.1009G>C (p.Val337Leu) is a missense variant that results in the substitution of valine with leucine. The affected residue or protein region has prior evidence supporting clinical relevance. This variant has been recurrently observed in individuals with OTC-related disorders (PMID: 9286441; PMID: 15243986; PMID: 34014569). Also, this variant is rare in population databases. Based on the currently available evidence, this variant is classified as likely pathogenic.

GenMed Metabolism Lab
Classification: Pathogenic. Review status: no assertion criteria provided. Collection method: not provided. Allele origin: unknown. Not counted in ClinVar's aggregate classification.
Comment: p.Val337Leu, Late
ClinVar note: Converted during submission from pathogenic to Pathogenic.

Literature cited by the submitters: PubMed 9286441 (cited by Dasa); PubMed 15243986 (cited by Dasa); PubMed 34014569 (cited by Dasa).

NM_000531.6(OTC):c.1009G>C (p.Val337Leu)

Gene: OTC (ornithine transcarbamylase; plus strand). Cytogenetic location: Xp11.4.
Variant type: single nucleotide variant.
Coding change: c.1009G>C on transcript NM_000531.6 (MANE Select); coding-DNA position 1009, G replaced by C.
Protein change: p.Val337Leu; replaces valine 337 with leucine.
Molecular consequence: missense variant.
Genome position (GRCh38, 1-based): chrX:38,421,026, G>C. VCF-style: chrX-38421026-G-C. GRCh37 (hg19) VCF-style: chrX-38280279-G-C.
Other names: short protein forms V337L.
Identifiers: ClinVar variation 97095 (VCV000097095.4), dbSNP rs72558487, ClinGen allele CA224437.